The following is an entry in ClinVar:

ClinVar aggregate classification (germline): Likely benign. Review status: criteria provided, multiple submitters, no conflicts (2 of 4 stars). 3 submissions from 3 submitters: Likely benign (3). Last evaluated 2023-06-05.

Conditions:
Arrhythmogenic right ventricular dysplasia 11. Also called: Arrhythmogenic right ventricular dysplasia 11 with mild palmoplantar keratoderma and woolly hair; Arrhythmogenic Right Ventricular Dysplasia/Cardiomyopathy11; ARRHYTHMOGENIC RIGHT VENTRICULAR DYSPLASIA, FAMILIAL, 11. Identifiers: MedGen C1864850, MONDO:0012506, OMIM 610476.

Submissions (3):

Labcorp Genetics (formerly Invitae), Labcorp
Classification: Likely benign for Arrhythmogenic right ventricular dysplasia 11. Last evaluated: 2023-06-05. Review status: criteria provided, single submitter. Criteria: Invitae Variant Classification Sherloc (09022015). Collection method: clinical testing. Allele origin: germline.

Blueprint Genetics
Classification: Likely benign. Last evaluated: 2020-02-27. Review status: criteria provided, single submitter. Criteria: ACMG Guidelines, 2015. Collection method: clinical testing. Allele origin: germline.

GeneDx
Classification: Likely benign. Last evaluated: 2017-02-16. Review status: criteria provided, single submitter. Criteria: GeneDx Variant Classification (06012015). Collection method: clinical testing. Allele origin: germline. Affected: yes.
Comment: This variant is considered likely benign or benign based on one or more of the following criteria: it is a conservative change, it occurs at a poorly conserved position in the protein, it is predicted to be benign by multiple in silico algorithms, and/or has population frequency not consistent with disease.

NM_024422.6(DSC2):c.741T>C (p.Thr247=)

Gene: DSC2 (desmocollin 2; minus strand). Cytogenetic location: 18q12.1.
Variant type: single nucleotide variant.
Coding change: c.741T>C on transcript NM_024422.6 (MANE Select); coding-DNA position 741, T replaced by C.
Protein change: p.Thr247=; no amino-acid change (threonine 247 retained).
Molecular consequence: synonymous variant.
Genome position (GRCh38, 1-based): chr18:31,087,703, A>G on the plus strand (T>C on the coding strand, the complement: DSC2 is on the minus strand). VCF-style: chr18-31087703-A-G. GRCh37 (hg19) VCF-style: chr18-28667666-A-G.
Other names: c.741T>C, p.Thr247= (NM_004949.5).
Identifiers: ClinVar variation 507564 (VCV000507564.5), dbSNP rs1555639671, ClinGen allele CA503389282.